The following is an entry in ClinVar:

ClinVar aggregate classification (germline): Benign. Review status: criteria provided, multiple submitters, no conflicts (2 of 4 stars). 2 submissions from 2 submitters: Benign (2). Last evaluated 2018-06-19.

Allele frequency attached by ClinVar (database versions not stated): gnomAD 0.37961; TOPMed 0.38346; 1000 Genomes Project 0.39896; 1000 Genomes Project 30x 0.39553.
gnomAD v4.1: 408,588 of 1,078,970 alleles (38%); highest among the groups gnomAD compares: East Asian, 49%; 78,292 homozygotes.

Submissions (2):

GeneDx
Classification: Benign. Last evaluated: 2018-06-19. Review status: criteria provided, single submitter. Criteria: GeneDx Variant Classification (06012015). Collection method: clinical testing. Allele origin: germline. Affected: yes.
Comment: This variant is considered likely benign or benign based on one or more of the following criteria: it is a conservative change, it occurs at a poorly conserved position in the protein, it is predicted to be benign by multiple in silico algorithms, and/or has population frequency not consistent with disease.

Breakthrough Genomics
Classification: Benign. Review status: criteria provided, single submitter. Criteria: ACMG Guidelines, 2015. Collection method: not provided. Allele origin: germline. Inheritance: Autosomal recessive inheritance. Affected: yes.

NM_005677.4(COLQ):c.528+112G>A

Gene: COLQ (collagen like tail subunit of asymmetric acetylcholinesterase; minus strand). Cytogenetic location: 3p25.1.
Variant type: single nucleotide variant.
Coding change: c.528+112G>A on transcript NM_005677.4 (MANE Select); 112 bases into the intron after coding-DNA position 528, G replaced by A.
Molecular consequence: intron variant.
Genome position (GRCh38, 1-based): chr3:15,475,313, C>T on the plus strand (G>A on the coding strand, the complement: COLQ is on the minus strand). VCF-style: chr3-15475313-C-T. GRCh37 (hg19) VCF-style: chr3-15516820-C-T.
Other names: c.426+112G>A (NM_080539.4); c.498+112G>A (NM_080538.2).
Identifiers: ClinVar variation 679255 (VCV000679255.2), dbSNP rs924811, ClinGen allele CA11352890.
Genomic context (GRCh38, chr3:15,475,313, plus strand): 5'-CTGCATCCCAGGGCATGATGTTCTCCAAAGGGCTGGTAAAGGCAGGCTCTCCAATATCCG[C>T]GACATTCCCTAGTCCGGGACTGCAGCCCCACCCAGTCCCTATGTTTGTAGACAGCAGCTG-3'